The following is an entry in ClinVar:

NM_006384.4(CIB1):c.132del (p.Ser44fs)

Gene: CIB1 (calcium and integrin binding 1; minus strand). Cytogenetic location: 15q26.1.
Variant type: Deletion.
Coding change: c.132del on transcript NM_006384.4 (MANE Select); coding-DNA position 132, one base deleted (C; older notation c.132delC).
Protein change: p.Ser44fs; shifts the reading frame from serine 44.
Molecular consequence: frameshift variant. On other transcripts: non-coding transcript variant (2).
Genome position (GRCh38, 1-based): chr15:90,232,282, G deleted on the plus strand (C on the coding strand, the reverse complement: CIB1 is on the minus strand). VCF-style (leftmost placement, unchanged base first): chr15-90232281-CG-C. GRCh37 (hg19) VCF-style: chr15-90775513-CG-C.
Other names: c.252del, p.Ser84fs (NM_001277764.2); short protein forms S84fs, S44fs.
Identifiers: ClinVar variation 3692093 (VCV003692093.2).

ClinVar aggregate classification (germline): Pathogenic (1 of 4 stars; one submission).

Submission:

Labcorp Genetics (formerly Invitae), Labcorp
Classification: Pathogenic. Last evaluated: 2025-08-23. Review status: criteria provided, single submitter. Criteria: Invitae Variant Classification Sherloc (09022015). Collection method: clinical testing. Allele origin: germline.
Comment: This sequence change creates a premature translational stop signal (p.Ser84Argfs*80) in the CIB1 gene. It is expected to result in an absent or disrupted protein product. Loss-of-function variants in CIB1 are known to be pathogenic (PMID: 30068544). This variant is not present in population databases (gnomAD no frequency). This variant has not been reported in the literature in individuals affected with CIB1-related conditions. ClinVar contains an entry for this variant (Variation ID: 3692093). For these reasons, this variant has been classified as Pathogenic.

Literature cited by the submitters: PubMed 30068544.